The following is an entry in ClinVar:

NM_004863.4(SPTLC2):c.1440C>T (p.Gly480=)

Gene: SPTLC2 (serine palmitoyltransferase long chain base subunit 2; minus strand). Cytogenetic location: 14q24.3.
Variant type: single nucleotide variant.
Coding change: c.1440C>T on transcript NM_004863.4 (MANE Select); coding-DNA position 1440, C replaced by T.
Protein change: p.Gly480=; no amino-acid change (glycine 480 retained).
Molecular consequence: synonymous variant.
Genome position (GRCh38, 1-based): chr14:77,518,167, G>A on the plus strand (C>T on the coding strand, the complement: SPTLC2 is on the minus strand). VCF-style: chr14-77518167-G-A. GRCh37 (hg19) VCF-style: chr14-77984510-G-A.
Identifiers: ClinVar variation 2740592 (VCV002740592.4), dbSNP rs780807321, ClinGen allele CA7289150.
Genomic context (GRCh38, chr14:77,518,167, plus strand): 5'-GGCAGGAAATCCAACCACAACGACACCGATGTTCCGCTTCAGCATCTCCCGTCCAAAGGC[G>A]CTGCAAAGGGGAAAACAAGAACAGAAACCAGGAGGAGTGAAAAAGCACTCATTACAGAGG-3'
Protein context (NP_004854.1, residues 470-490): PLMLYMPAKI[Gly480=]AFGREMLKRN

ClinVar aggregate classification (germline): Conflicting classifications of pathogenicity. Review status: criteria provided, conflicting classifications (1 of 4 stars). 2 submissions from 2 submitters: Uncertain significance (1); Likely benign (1). Last evaluated 2025-02-16.

Conditions:
Neuropathy, hereditary sensory and autonomic, type 1C. Also called: HSAN IC; HSN IC. Identifiers: Orphanet 36386, MedGen C3150896, MONDO:0013337, OMIM 613640.

Allele frequency attached by ClinVar (database versions not stated): gnomAD 0.00001; ExAC 0.00002; gnomAD exomes 0.00002.
gnomAD v4.1: 32 of 1,613,956 alleles (0.002%); highest among the groups gnomAD compares: African/African-American, 0.0027%; no homozygotes.

Submissions (2):

Laboratory of Genetics, Children's Clinical University Hospital Latvia
Classification: Likely benign. Last evaluated: 2025-02-16. Review status: criteria provided, single submitter. Criteria: ACMG Guidelines, 2015. Collection method: clinical testing. Allele origin: germline. Affected: yes.

Labcorp Genetics (formerly Invitae), Labcorp
Classification: Uncertain significance for Neuropathy, hereditary sensory and autonomic, type 1C. Last evaluated: 2023-12-18. Review status: criteria provided, single submitter. Criteria: Invitae Variant Classification Sherloc (09022015). Collection method: clinical testing. Allele origin: germline.
Comment: This sequence change affects codon 480 of the SPTLC2 mRNA. It is a 'silent' change, meaning that it does not change the encoded amino acid sequence of the SPTLC2 protein. It affects a nucleotide within the consensus splice site. This variant is present in population databases (rs780807321, gnomAD 0.002%). This variant has not been reported in the literature in individuals affected with SPTLC2-related conditions. Algorithms developed to predict the effect of sequence changes on RNA splicing suggest that this variant is not likely to affect RNA splicing. In summary, the available evidence is currently insufficient to determine the role of this variant in disease. Therefore, it has been classified as a Variant of Uncertain Significance.